The following is an entry in ClinVar:

NM_000257.4(MYH7):c.4871A>G (p.Glu1624Gly)

Genes: MHRT (myosin heavy chain associated RNA transcript; plus strand), MYH7 (myosin heavy chain 7; minus strand), LOC126861897 (BRD4-independent group 4 enhancer GRCh37_chr14:23884455-23885654; plus strand). Cytogenetic location: 14q11.2.
Variant type: single nucleotide variant.
Coding change: c.4871A>G on transcript NM_000257.4 (MANE Select); coding-DNA position 4871, A replaced by G.
Protein change: p.Glu1624Gly; replaces glutamic acid 1624 with glycine.
Molecular consequence: missense variant. On other transcripts: non-coding transcript variant (1).
Genome position (GRCh38, 1-based): chr14:23,416,086, T>C on the plus strand (A>G on the coding strand, the complement: MYH7 is on the minus strand). VCF-style: chr14-23416086-T-C. GRCh37 (hg19) VCF-style: chr14-23885295-T-C.
Other names: c.4871A>G, p.Glu1624Gly (NM_001407004.1); short protein forms E1624G.
Identifiers: ClinVar variation 4688291 (VCV004688291.1).

ClinVar aggregate classification (germline): Uncertain significance (1 of 4 stars; one submission).

Submission:

Women's Health and Genetics/Laboratory Corporation of America, LabCorp
Classification: Uncertain significance. Last evaluated: 2025-12-15. Review status: criteria provided, single submitter. Criteria: LabCorp Variant Classification Summary - May 2015. Collection method: clinical testing. Allele origin: germline.
Comment: Variant summary: MYH7 c.4871A>G (p.Glu1624Gly) results in a non-conservative amino acid change in the encoded protein sequence. Algorithms developed to predict the effect of missense changes on protein structure and function all suggest that this variant is likely to be disruptive. The variant was absent in 251480 control chromosomes. The available data on variant occurrences in the general population are insufficient to allow any conclusion about variant significance. To our knowledge, no occurrence of c.4871A>G in individuals affected with MYH7-related conditions and no experimental evidence demonstrating its impact on protein function have been reported. No submitters have cited clinical-significance assessments for this variant to ClinVar. Based on the evidence outlined above, the variant was classified as uncertain significance.